The following is an entry in ClinVar:

ClinVar aggregate classification (germline): Pathogenic (1 of 4 stars; one submission).

Submission:

Quest Diagnostics Nichols Institute San Juan Capistrano
Classification: Pathogenic. Last evaluated: 2025-05-27. Review status: criteria provided, single submitter. Criteria: ACMG/ClinGen CNV Guidelines, 2019. Collection method: clinical testing. Allele origin: unknown.
Comment: This deletion involves at least 83 protein-coding genes. This copy number loss partially overlaps with the chromosome 1p32p31 deletion syndrome (OMIM 613735). Heterozygous deletions either similar to or overlapping this region have been reported in individuals with various phenotypic features (Biswal 2021, Firth 2009, Rivera-Pedroza 2017, Serra 2022). There are no similar copy number losses of this region in the general populations of the Database of Genomic Variants. Therefore, based on current medical literature, this copy number variant (CNV) is classified as pathogenic. References: Biswal et al., Ann Indian Acad Neurol. 2021 Jan-Feb;24(1):78-80. PMID: 33911383 Firth et al., Am J Hum Genet. 2009 Apr;84(4):524-33. PMID: 19344873 Rivera-Pedroza et al., Mol Syndromol. 2017 Jan;8(1):30-35. PMID: 28232780 Serra et al., Ital J Pediatr. 2022 Mar 4;48(1):38. PMID: 35246213

GRCh37/hg19 1p31.3-22.3(chr1:66341994-88260975)x1

Genes: ACADM (acyl-CoA dehydrogenase medium chain; plus strand), ADGRL2 (adhesion G protein-coupled receptor L2; plus strand), ADGRL4 (adhesion G protein-coupled receptor L4; minus strand), AK5 (adenylate kinase 5; plus strand), ANKRD13C (ankyrin repeat domain 13C; minus strand) and 81 more. Cytogenetic location: 1p31.3-22.3.
Variant type: copy number loss.
Change: copy number 1 (one copy instead of two) of chr1:66,341,994-88,260,975 (21.92 Mb, GRCh37 coordinates, 1-based), cytogenetic band 1p31.3-22.3.
Identifiers: ClinVar variation 4682505 (VCV004682505.1).